The following is an entry in ClinVar:

NM_024675.4(PALB2):c.2072G>A (p.Ser691Asn)

Gene: PALB2 (partner and localizer of BRCA2; minus strand). Cytogenetic location: 16p12.2.
Variant type: single nucleotide variant.
Coding change: c.2072G>A on transcript NM_024675.4 (MANE Select); coding-DNA position 2072, G replaced by A.
Protein change: p.Ser691Asn; replaces serine 691 with asparagine.
Molecular consequence: missense variant.
Genome position (GRCh38, 1-based): chr16:23,630,082, C>T on the plus strand (G>A on the coding strand, the complement: PALB2 is on the minus strand). VCF-style: chr16-23630082-C-T. GRCh37 (hg19) VCF-style: chr16-23641403-C-T.
Other names: short protein forms S691N.
Identifiers: ClinVar variation 460926 (VCV000460926.20), dbSNP rs1555460502, ClinGen allele CA395126622.

ClinVar aggregate classification (germline): Uncertain significance. Review status: criteria provided, multiple submitters, no conflicts (2 of 4 stars). 4 submissions from 4 submitters: Uncertain significance (4). Last evaluated 2025-01-19.

Conditions:
Familial cancer of breast. Also called: BREAST CANCER, FAMILIAL; Hereditary breast cancer; hereditary breast carcinoma. Identifiers: Orphanet 227535, MedGen C0346153, MONDO:0016419, OMIM 114480. Disease mechanism: loss of function.
Hereditary cancer-predisposing syndrome. Also called: Neoplastic Syndromes, Hereditary; Hereditary Cancer Syndrome; Hereditary neoplastic syndrome; Tumor predisposition. Identifiers: Orphanet 140162, MedGen C0027672, MeSH D009386, MONDO:0015356.

Submissions (4):

Ambry Genetics
Classification: Uncertain significance for Hereditary cancer-predisposing syndrome. Last evaluated: 2025-01-19. Review status: criteria provided, single submitter. Criteria: Ambry Variant Classification Scheme 2023. Collection method: clinical testing. Allele origin: germline.
Comment: The p.S691N variant (also known as c.2072G>A), located in coding exon 5 of the PALB2 gene, results from a G to A substitution at nucleotide position 2072. The serine at codon 691 is replaced by asparagine, an amino acid with highly similar properties. This amino acid position is poorly conserved in available vertebrate species. In addition, this alteration is predicted to be tolerated by in silico analysis. Since supporting evidence is limited at this time, the clinical significance of this alteration remains unclear.

Labcorp Genetics (formerly Invitae), Labcorp
Classification: Uncertain significance for Familial cancer of breast. Last evaluated: 2024-06-13. Review status: criteria provided, single submitter. Criteria: Invitae Variant Classification Sherloc (09022015). Collection method: clinical testing. Allele origin: germline.
Comment: This sequence change replaces serine, which is neutral and polar, with asparagine, which is neutral and polar, at codon 691 of the PALB2 protein (p.Ser691Asn). This variant is not present in population databases (gnomAD no frequency). This variant has not been reported in the literature in individuals affected with PALB2-related conditions. ClinVar contains an entry for this variant (Variation ID: 460926). Advanced modeling of protein sequence and biophysical properties (such as structural, functional, and spatial information, amino acid conservation, physicochemical variation, residue mobility, and thermodynamic stability) performed at Invitae indicates that this missense variant is not expected to disrupt PALB2 protein function with a negative predictive value of 80%. In summary, the available evidence is currently insufficient to determine the role of this variant in disease. Therefore, it has been classified as a Variant of Uncertain Significance.

Color Diagnostics, LLC DBA Color Health
Classification: Uncertain significance for Hereditary cancer-predisposing syndrome. Last evaluated: 2024-03-07. Review status: criteria provided, single submitter. Criteria: ACMG Guidelines, 2015. Collection method: clinical testing. Allele origin: germline.
Comment: This missense variant replaces serine with asparagine at codon 691 of the PALB2 protein. Computational prediction suggests that this variant may not impact protein structure and function (internally defined REVEL score threshold <= 0.5, PMID: 27666373). Splice site prediction tools suggest that this variant may not impact RNA splicing. To our knowledge, functional studies have not been performed for this variant. This variant has not been reported in individuals affected with hereditary cancer in the literature. This variant has not been identified in the general population by the Genome Aggregation Database (gnomAD). The available evidence is insufficient to determine the role of this variant in disease conclusively. Therefore, this variant is classified as a Variant of Uncertain Significance.

GeneDx
Classification: Uncertain significance. Last evaluated: 2023-04-06. Review status: criteria provided, single submitter. Criteria: GeneDx Variant Classification Process June 2021. Collection method: clinical testing. Allele origin: germline. Affected: yes.
Comment: Not observed at significant frequency in large population cohorts (gnomAD); In silico analysis supports that this missense variant does not alter protein structure/function; Has not been previously published as pathogenic or benign to our knowledge